The following is an entry in ClinVar:

NM_000138.5(FBN1):c.5224+5G>C

Gene: FBN1 (fibrillin 1; minus strand). Cytogenetic location: 15q21.1.
Variant type: single nucleotide variant.
Coding change: c.5224+5G>C on transcript NM_000138.5 (MANE Select); 5 bases into the intron after coding-DNA position 5224, G replaced by C.
Molecular consequence: intron variant.
Genome position (GRCh38, 1-based): chr15:48,463,077, C>G on the plus strand (G>C on the coding strand, the complement: FBN1 is on the minus strand). VCF-style: chr15-48463077-C-G. GRCh37 (hg19) VCF-style: chr15-48755274-C-G.
Other names: c.5224+5G>C (NM_001406716.1).
Identifiers: ClinVar variation 4527341 (VCV004527341.1).

ClinVar aggregate classification (germline): Uncertain significance (1 of 4 stars; one submission).

Submission:

GeneDx
Classification: Uncertain significance. Last evaluated: 2025-04-25. Review status: criteria provided, single submitter. Criteria: GeneDx Variant Classification Process June 2021. Collection method: clinical testing. Allele origin: germline. Affected: yes.
Comment: Not observed at significant frequency in large population cohorts (gnomAD); Has not been previously published as pathogenic or benign to our knowledge; In silico analysis suggests this variant may impact gene splicing. In the absence of RNA/functional studies, the actual effect of this sequence change is unknown.